The following is an entry in ClinVar:

ClinVar aggregate classification (germline): Uncertain significance (1 of 4 stars; one submission).

Allele frequency attached by ClinVar (database versions not stated): gnomAD exomes below 0.00001.
gnomAD v4.1: 1 of 1,566,744 alleles (0.000064%); highest among the groups gnomAD compares: East Asian, 0.0023%; no homozygotes.

Submission:

Labcorp Genetics (formerly Invitae), Labcorp
Classification: Uncertain significance. Last evaluated: 2024-04-17. Review status: criteria provided, single submitter. Criteria: Invitae Variant Classification Sherloc (09022015). Collection method: clinical testing. Allele origin: germline.
Comment: This sequence change replaces leucine, which is neutral and non-polar, with phenylalanine, which is neutral and non-polar, at codon 447 of the AGPS protein (p.Leu447Phe). This variant is not present in population databases (gnomAD no frequency). This variant has not been reported in the literature in individuals affected with AGPS-related conditions. ClinVar contains an entry for this variant (Variation ID: 1489496). An algorithm developed to predict the effect of missense changes on protein structure and function (PolyPhen-2) suggests that this variant is likely to be tolerated. In summary, the available evidence is currently insufficient to determine the role of this variant in disease. Therefore, it has been classified as a Variant of Uncertain Significance.

NM_003659.4(AGPS):c.1341A>T (p.Leu447Phe)

Gene: AGPS (alkylglycerone phosphate synthase; plus strand). Cytogenetic location: 2q31.2.
Variant type: single nucleotide variant.
Coding change: c.1341A>T on transcript NM_003659.4 (MANE Select); coding-DNA position 1341, A replaced by T.
Protein change: p.Leu447Phe; replaces leucine 447 with phenylalanine.
Molecular consequence: missense variant.
Genome position (GRCh38, 1-based): chr2:177,497,744, A>T. VCF-style: chr2-177497744-A-T. GRCh37 (hg19) VCF-style: chr2-178362472-A-T.
Other names: short protein forms L447F.
Identifiers: ClinVar variation 1489496 (VCV001489496.7), dbSNP rs1203139588, ClinGen allele CA349364697.